The following is an entry in ClinVar:

NM_000784.4(CYP27A1):c.1466T>C (p.Leu489Pro)

Gene: CYP27A1 (cytochrome P450 family 27 subfamily A member 1; plus strand). Cytogenetic location: 2q35.
Variant type: single nucleotide variant.
Coding change: c.1466T>C on transcript NM_000784.4 (MANE Select); coding-DNA position 1466, T replaced by C.
Protein change: p.Leu489Pro; replaces leucine 489 with proline.
Molecular consequence: missense variant.
Genome position (GRCh38, 1-based): chr2:218,814,747, T>C. VCF-style: chr2-218814747-T-C. GRCh37 (hg19) VCF-style: chr2-219679470-T-C.
Other names: short protein forms L489P.
Identifiers: ClinVar variation 4070843 (VCV004070843.1).

ClinVar aggregate classification (germline): Uncertain significance (1 of 4 stars; one submission).

Submission:

GeneDx
Classification: Uncertain significance. Last evaluated: 2025-01-17. Review status: criteria provided, single submitter. Criteria: GeneDx Variant Classification Process June 2021. Collection method: clinical testing. Allele origin: germline. Affected: yes.
Comment: Not observed at significant frequency in large population cohorts (gnomAD); In silico analysis indicates that this missense variant does not alter protein structure/function; Has not been previously published as pathogenic or benign to our knowledge